The following is an entry in ClinVar:

ClinVar aggregate classification (germline): Likely pathogenic (1 of 4 stars; one submission).

Submission:

GeneDx
Classification: Likely pathogenic. Last evaluated: 2015-12-29. Review status: criteria provided, single submitter. Criteria: GeneDx Variant Classification (06012015). Collection method: clinical testing. Allele origin: germline. Affected: yes.
Comment: The E2759X variant in the FBN1 gene has not been reported as a pathogenic variant or as a benign variant to our knowledge. E2759X is predicted to cause loss of normal protein function by protein truncation, resulting in the loss of the last 113 amino acid residues. Multiple other downstream nonsense variants in the FBN1 gene have been reported in HGMD in association with Marfan syndrome (Stenson et al., 2014). Furthermore, the likely pathogenic E2759X variant was not observed in approximately 6,500 individuals of European and African American ancestry in the NHLBI Exome Sequencing Project, indicating it is not a common benign variant in these populations. In summary, E2759X in the FBN1 gene is expected to be pathogenic, as multiple other nonsense variants have been identified downstream of this variant. However, the possibility that this is a rare benign variant cannot be excluded.

NM_000138.5(FBN1):c.8275G>T (p.Glu2759Ter)

Gene: FBN1 (fibrillin 1; minus strand). Cytogenetic location: 15q21.1.
Variant type: single nucleotide variant.
Coding change: c.8275G>T on transcript NM_000138.5 (MANE Select); coding-DNA position 8275, G replaced by T.
Protein change: p.Glu2759Ter; replaces glutamic acid 2759 with a stop codon.
Molecular consequence: nonsense.
Genome position (GRCh38, 1-based): chr15:48,411,331, C>A on the plus strand (G>T on the coding strand, the complement: FBN1 is on the minus strand). VCF-style: chr15-48411331-C-A. GRCh37 (hg19) VCF-style: chr15-48703528-C-A.
Other names: short protein forms E2759*.
Identifiers: ClinVar variation 372849 (VCV000372849.1), dbSNP rs1057518023, ClinGen allele CA16042931.